The following is an entry in ClinVar:

ClinVar aggregate classification (germline): Benign/Likely benign. Review status: criteria provided, multiple submitters, no conflicts (2 of 4 stars). 2 submissions from 2 submitters: Benign (1); Likely benign (1). Last evaluated 2025-09-07.

Conditions:
FG syndrome (FGS). Identifiers: MedGen C0220769, MONDO:0002010.

Allele frequency attached by ClinVar (database versions not stated): gnomAD exomes below 0.00001; gnomAD 0.00003; TOPMed 0.00001.
gnomAD v4.1: 5 of 1,173,059 alleles (0.00043%); highest among the groups gnomAD compares: Non-Finnish European, 0.00034%; no homozygotes.

Submissions (2):

Labcorp Genetics (formerly Invitae), Labcorp
Classification: Benign for FG syndrome. Last evaluated: 2025-09-07. Review status: criteria provided, single submitter. Criteria: Invitae Variant Classification Sherloc (09022015). Collection method: clinical testing. Allele origin: germline.

GeneDx
Classification: Likely benign. Last evaluated: 2018-04-16. Review status: criteria provided, single submitter. Criteria: GeneDx Variant Classification (06012015). Collection method: clinical testing. Allele origin: germline. Affected: yes.
Comment: This variant is considered likely benign or benign based on one or more of the following criteria: it is a conservative change, it occurs at a poorly conserved position in the protein, it is predicted to be benign by multiple in silico algorithms, and/or has population frequency not consistent with disease.

NM_005120.3(MED12):c.4428G>A (p.Leu1476=)

Gene: MED12 (mediator complex subunit 12; plus strand). Cytogenetic location: Xq13.1.
Variant type: single nucleotide variant.
Coding change: c.4428G>A on transcript NM_005120.3 (MANE Select); coding-DNA position 4428, G replaced by A.
Protein change: p.Leu1476=; no amino-acid change (leucine 1476 retained).
Molecular consequence: synonymous variant.
Genome position (GRCh38, 1-based): chrX:71,132,857, G>A. VCF-style: chrX-71132857-G-A. GRCh37 (hg19) VCF-style: chrX-70352707-G-A.
Identifiers: ClinVar variation 681989 (VCV000681989.2), dbSNP rs982066662, ClinGen allele CA330982093.
Genomic context (GRCh38, chrX:71,132,857, plus strand): 5'-TCTCTTCTCTTCTCTTCTCTTCTCTTCTCTTCTTTCTCTTGTCTCTAGCATGTCCCTATT[G>A]AGCCAGCAGCCCTTCTTATCGCTGGTGCTAACATGTCTGAAAGGGCAGGATGAACAACGC-3'
Protein context (NP_005111.2, residues 1466-1486): DRQKQKSMSL[Leu1476=]SQQPFLSLVL